The following is an entry in ClinVar:

NM_015271.5(TRIM2):c.1661G>A (p.Gly554Glu)

Gene: TRIM2 (tripartite motif containing 2; plus strand). Cytogenetic location: 4q31.3.
Variant type: single nucleotide variant.
Coding change: c.1661G>A on transcript NM_015271.5 (MANE Select); coding-DNA position 1661, G replaced by A.
Protein change: p.Gly554Glu; replaces glycine 554 with glutamic acid.
Molecular consequence: missense variant.
Genome position (GRCh38, 1-based): chr4:153,315,878, G>A. VCF-style: chr4-153315878-G-A. GRCh37 (hg19) VCF-style: chr4-154237030-G-A.
Other names: c.1580G>A, p.Gly527Glu (NM_001130067.2, NM_001351056.2, NM_001375512.1 and 5 more transcripts); c.1634G>A, p.Gly545Glu (NM_001351054.2); c.1631G>A, p.Gly544Glu (NM_001351055.2); c.1205G>A, p.Gly402Glu (NM_001351057.2); c.1754G>A, p.Gly585Glu (NM_001375488.1); c.1751G>A, p.Gly584Glu (NM_001375489.1); c.1604G>A, p.Gly535Glu (NM_001375490.1); c.1601G>A, p.Gly534Glu (NM_001375491.1); and 3 more; short protein forms G441E, G554E, G402E, G442E, G443E, G544E, G584E, G527E.
Identifiers: ClinVar variation 2014962 (VCV002014962.4), dbSNP rs2546632950, ClinGen allele CA358468043.

ClinVar aggregate classification (germline): Uncertain significance (1 of 4 stars; one submission).

Conditions:
Charcot-Marie-Tooth disease type 2R. Also called: CHARCOT-MARIE-TOOTH NEUROPATHY, TYPE 2R; CHARCOT-MARIE-TOOTH DISEASE, AXONAL, AUTOSOMAL RECESSIVE, TYPE 2R; Charcot-Marie-Tooth disease, axonal, type 2R. Identifiers: Orphanet 397968, MedGen C3809655, MONDO:0014208, OMIM 615490.

Submission:

Labcorp Genetics (formerly Invitae), Labcorp
Classification: Uncertain significance for Charcot-Marie-Tooth disease type 2R. Last evaluated: 2022-07-08. Review status: criteria provided, single submitter. Criteria: Invitae Variant Classification Sherloc (09022015). Collection method: clinical testing. Allele origin: germline.
Comment: This sequence change replaces glycine, which is neutral and non-polar, with glutamic acid, which is acidic and polar, at codon 527 of the TRIM2 protein (p.Gly527Glu). In summary, the available evidence is currently insufficient to determine the role of this variant in disease. Therefore, it has been classified as a Variant of Uncertain Significance. This variant is not present in population databases (gnomAD no frequency). This variant has not been reported in the literature in individuals affected with TRIM2-related conditions. Algorithms developed to predict the effect of missense changes on protein structure and function are either unavailable or do not agree on the potential impact of this missense change (SIFT: "Deleterious"; PolyPhen-2: "Probably Damaging"; Align-GVGD: "Class C0").